The following is an entry in ClinVar:

ClinVar aggregate classification (germline): Uncertain significance (1 of 4 stars; one submission).

Conditions:
Autosomal dominant limb-girdle muscular dystrophy type 1G (LGMDD3). Also called: Limb-girdle muscular dystrophy, type 1G; MUSCULAR DYSTROPHY, LIMB-GIRDLE, AUTOSOMAL DOMINANT 3. Identifiers: Orphanet 55596, MedGen C1836765, MONDO:0012193, OMIM 609115.

Allele frequency attached by ClinVar (database versions not stated): gnomAD exomes below 0.00001.

Submission:

Labcorp Genetics (formerly Invitae), Labcorp
Classification: Uncertain significance for Autosomal dominant limb-girdle muscular dystrophy type 1G. Last evaluated: 2022-07-06. Review status: criteria provided, single submitter. Criteria: Invitae Variant Classification Sherloc (09022015). Collection method: clinical testing. Allele origin: germline.
Comment: In summary, the available evidence is currently insufficient to determine the role of this variant in disease. Therefore, it has been classified as a Variant of Uncertain Significance. Algorithms developed to predict the effect of missense changes on protein structure and function are either unavailable or do not agree on the potential impact of this missense change (SIFT: "Deleterious"; PolyPhen-2: "Possibly Damaging"; Align-GVGD: "Class C0"). This variant has not been reported in the literature in individuals affected with HNRNPDL-related conditions. This variant is not present in population databases (gnomAD no frequency). This sequence change replaces leucine, which is neutral and non-polar, with phenylalanine, which is neutral and non-polar, at codon 7 of the HNRNPDL protein (p.Leu7Phe).

NM_031372.4(HNRNPDL):c.19C>T (p.Leu7Phe)

Gene: HNRNPDL (heterogeneous nuclear ribonucleoprotein D like; minus strand). Cytogenetic location: 4q21.22.
Variant type: single nucleotide variant.
Coding change: c.19C>T on transcript NM_031372.4 (MANE Select); coding-DNA position 19, C replaced by T.
Protein change: p.Leu7Phe; replaces leucine 7 with phenylalanine.
Molecular consequence: missense variant. On other transcripts: non-coding transcript variant (1).
Genome position (GRCh38, 1-based): chr4:82,429,672, G>A on the plus strand (C>T on the coding strand, the complement: HNRNPDL is on the minus strand). VCF-style: chr4-82429672-G-A. GRCh37 (hg19) VCF-style: chr4-83350825-G-A.
Other names: c.19C>T, p.Leu7Phe (NM_001207000.1); short protein forms L7F.
Identifiers: ClinVar variation 2167937 (VCV002167937.4), dbSNP rs751611134, ClinGen allele CA357174187.